The following is an entry in ClinVar:

NM_006514.4(SCN10A):c.4386G>A (p.Leu1462=)

Gene: SCN10A (sodium voltage-gated channel alpha subunit 10; minus strand). Cytogenetic location: 3p22.2.
Variant type: single nucleotide variant.
Coding change: c.4386G>A on transcript NM_006514.4 (MANE Select); coding-DNA position 4386, G replaced by A.
Protein change: p.Leu1462=; no amino-acid change (leucine 1462 retained).
Molecular consequence: synonymous variant.
Genome position (GRCh38, 1-based): chr3:38,707,279, C>T on the plus strand (G>A on the coding strand, the complement: SCN10A is on the minus strand). VCF-style: chr3-38707279-C-T. GRCh37 (hg19) VCF-style: chr3-38748770-C-T.
Other names: c.4383G>A, p.Leu1461= (NM_001293306.2); c.4092G>A, p.Leu1364= (NM_001293307.2).
Identifiers: ClinVar variation 1437255 (VCV001437255.11), dbSNP rs1306366227, ClinGen allele CA433136312.

ClinVar aggregate classification (germline): Uncertain significance. Review status: criteria provided, multiple submitters, no conflicts (2 of 4 stars). 2 submissions from 2 submitters: Uncertain significance (2). Last evaluated 2025-12-03.

Conditions:
Brugada syndrome. Also called: Sudden unexplained nocturnal death syndrome; Sudden unexpected nocturnal death syndrome; Sudden Unexplained Death Syndrome; Sudden Unexplained Nocturnal Death Syndrome (SUNDS). Identifiers: Orphanet 130, MedGen C1142166, MONDO:0015263.
Cardiovascular phenotype. Identifiers: MedGen CN230736.

Allele frequency attached by ClinVar (database versions not stated): gnomAD exomes 0.00001; TOPMed 0.00002.
gnomAD v4.1: 7 of 1,613,800 alleles (0.00043%); highest among the groups gnomAD compares: Admixed American, 0.01%; no homozygotes.

Submissions (2):

Labcorp Genetics (formerly Invitae), Labcorp
Classification: Uncertain significance for Brugada syndrome. Last evaluated: 2025-12-03. Review status: criteria provided, single submitter. Criteria: Invitae Variant Classification Sherloc (09022015). Collection method: clinical testing. Allele origin: germline.
Comment: This sequence change affects codon 1462 of the SCN10A mRNA. It is a 'silent' change, meaning that it does not change the encoded amino acid sequence of the SCN10A protein. This variant also falls at the last nucleotide of exon 25, which is part of the consensus splice site for this exon. This variant is not present in population databases (gnomAD no frequency). This variant has not been reported in the literature in individuals affected with SCN10A-related conditions. ClinVar contains an entry for this variant (Variation ID: 1437255). Variants that disrupt the consensus splice site are a relatively common cause of aberrant splicing (PMID: 17576681, 9536098). Algorithms developed to predict the effect of sequence changes on RNA splicing suggest that this variant may disrupt the consensus splice site. In summary, the available evidence is currently insufficient to determine the role of this variant in disease. Therefore, it has been classified as a Variant of Uncertain Significance.

Ambry Genetics
Classification: Uncertain significance for Cardiovascular phenotype. Last evaluated: 2025-10-30. Review status: criteria provided, single submitter. Criteria: Ambry Variant Classification Scheme 2023. Collection method: clinical testing. Allele origin: germline.
Comment: The c.4386G>A variant (also known as p.L1462L), located in coding exon 25 of the SCN10A gene, results from a G to A substitution at nucleotide position 4386. This nucleotide substitution does not change the amino acid at codon 1462. However, this change occurs in the last base pair of coding exon 25, which makes it likely to have some effect on normal mRNA splicing. This nucleotide position is well conserved in available vertebrate species. In silico splice site analysis predicts that this alteration will weaken the native splice donor site. The evidence for this gene-disease relationship is limited; therefore, the clinical significance of this alteration is unclear.

Literature cited by the submitters: PubMed 17576681 (cited by Labcorp Genetics (formerly Invitae), Labcorp); PubMed 9536098 (cited by Labcorp Genetics (formerly Invitae), Labcorp).